The following is an entry in ClinVar:

NM_001330723.2(SNX27):c.1237A>G (p.Met413Val)

Gene: SNX27 (sorting nexin 27; plus strand). Cytogenetic location: 1q21.3.
Variant type: single nucleotide variant.
Coding change: c.1237A>G on transcript NM_001330723.2 (MANE Select); coding-DNA position 1237, A replaced by G.
Protein change: p.Met413Val; replaces methionine 413 with valine.
Molecular consequence: missense variant.
Genome position (GRCh38, 1-based): chr1:151,683,443, A>G. VCF-style: chr1-151683443-A-G. GRCh37 (hg19) VCF-style: chr1-151655919-A-G.
Other names: c.1237A>G, p.Met413Val (NM_030918.6); short protein forms M413V.
Identifiers: ClinVar variation 462807 (VCV000462807.6), dbSNP rs144336311, ClinGen allele CA1093614.

ClinVar aggregate classification (germline): Uncertain significance (1 of 4 stars; one submission).

Conditions:
Severe myoclonic epilepsy in infancy (DRVT). Also called: Dravet syndrome; Epileptic encephalopathy, early infantile, 6 (Dravet syndrome); SEVERE MYOCLONIC EPILEPSY OF INFANCY; DEVELOPMENTAL AND EPILEPTIC ENCEPHALOPATHY 6A; Severe Myoclonic Epilepsy in Infancy (SMEI). Identifiers: Orphanet 33069, MedGen C0751122, MONDO:0100135, OMIM 607208.

Allele frequency attached by ClinVar (database versions not stated): TOPMed 0.00004.
gnomAD v4.1: 25 of 1,612,196 alleles (0.0016%); highest among the groups gnomAD compares: Non-Finnish European, 0.002%; no homozygotes.

Submission:

Labcorp Genetics (formerly Invitae), Labcorp
Classification: Uncertain significance for Severe myoclonic epilepsy in infancy. Last evaluated: 2022-01-17. Review status: criteria provided, single submitter. Criteria: Invitae Variant Classification Sherloc (09022015). Collection method: clinical testing. Allele origin: germline.
Comment: This sequence change replaces methionine, which is neutral and non-polar, with valine, which is neutral and non-polar, at codon 413 of the SNX27 protein (p.Met413Val). This variant is present in population databases (rs144336311, gnomAD 0.005%). This variant has not been reported in the literature in individuals affected with SNX27-related conditions. ClinVar contains an entry for this variant (Variation ID: 462807). Algorithms developed to predict the effect of missense changes on protein structure and function (SIFT, PolyPhen-2, Align-GVGD) all suggest that this variant is likely to be tolerated. In summary, the available evidence is currently insufficient to determine the role of this variant in disease. Therefore, it has been classified as a Variant of Uncertain Significance.